The following is an entry in ClinVar:

ClinVar aggregate classification (germline): Uncertain significance (1 of 4 stars; one submission).

Conditions:
Cutis laxa, autosomal dominant 3 (ADCL3). Identifiers: Orphanet 90348, MedGen C4225268, MONDO:0014706, OMIM 616603.
Autosomal dominant spastic paraplegia type 9. Identifiers: MedGen C1832669, MONDO:0015091.
de Barsy syndrome. Also called: Cutis laxa-corneal clouding-oligophrenia syndrome. Identifiers: Orphanet 2962, MedGen C0268354, MONDO:0017569.

gnomAD v4.1: 17 of 1,613,990 alleles (0.0011%); highest among the groups gnomAD compares: East Asian, 0.0022%; no homozygotes.

Submission:

Labcorp Genetics (formerly Invitae), Labcorp
Classification: Uncertain significance for Autosomal dominant spastic paraplegia type 9; de Barsy syndrome; Cutis laxa, autosomal dominant 3. Last evaluated: 2025-10-03. Review status: criteria provided, single submitter. Criteria: Invitae Variant Classification Sherloc (09022015). Collection method: clinical testing. Allele origin: germline.
Comment: This sequence change replaces asparagine, which is neutral and polar, with serine, which is neutral and polar, at codon 204 of the ALDH18A1 protein (p.Asn204Ser). This variant is present in population databases (no rsID available, gnomAD 0.003%). This variant has not been reported in the literature in individuals affected with ALDH18A1-related conditions. Invitae Evidence Modeling of protein sequence and biophysical properties (such as structural, functional, and spatial information, amino acid conservation, physicochemical variation, residue mobility, and thermodynamic stability) indicates that this missense variant is not expected to disrupt ALDH18A1 protein function with a negative predictive value of 95%. In summary, the available evidence is currently insufficient to determine the role of this variant in disease. Therefore, it has been classified as a Variant of Uncertain Significance.

NM_002860.4(ALDH18A1):c.611A>G (p.Asn204Ser)

Gene: ALDH18A1 (aldehyde dehydrogenase 18 family member A1; minus strand). Cytogenetic location: 10q24.1.
Variant type: single nucleotide variant.
Coding change: c.611A>G on transcript NM_002860.4 (MANE Select); coding-DNA position 611, A replaced by G.
Protein change: p.Asn204Ser; replaces asparagine 204 with serine.
Molecular consequence: missense variant. On other transcripts: 5 prime UTR variant (1).
Genome position (GRCh38, 1-based): chr10:95,633,597, T>C on the plus strand (A>G on the coding strand, the complement: ALDH18A1 is on the minus strand). VCF-style: chr10-95633597-T-C. GRCh37 (hg19) VCF-style: chr10-97393354-T-C.
Other names: c.278A>G, p.Asn93Ser (NM_001323412.2, NM_001323416.2, NM_001323418.2); c.611A>G, p.Asn204Ser (NM_001323413.2, NM_001323414.2, NM_001323415.2 and 1 more transcripts); c.506A>G, p.Asn169Ser (NM_001323417.2); c.-26A>G (NM_001323419.2); short protein forms N169S, N93S, N204S.
Identifiers: ClinVar variation 4783271 (VCV004783271.1).